The following is an entry in ClinVar:

ClinVar aggregate classification (germline): Uncertain significance (1 of 4 stars; one submission).

Conditions:
Immunodeficiency, common variable, 2 (CVID2). Also called: HYPOGAMMAGLOBULINEMIA DUE TO TACI DEFICIENCY; ANTIBODY DEFICIENCY DUE TO TACI DEFECT. Identifiers: Orphanet 1572, MedGen C3150354, MONDO:0009413, OMIM 240500.

Allele frequency attached by ClinVar (database versions not stated): gnomAD 0.00001; TOPMed 0.00001.

Submission:

Labcorp Genetics (formerly Invitae), Labcorp
Classification: Uncertain significance for Immunodeficiency, common variable, 2. Last evaluated: 2023-02-06. Review status: criteria provided, single submitter. Criteria: Invitae Variant Classification Sherloc (09022015). Collection method: clinical testing. Allele origin: germline.
Comment: In summary, the available evidence is currently insufficient to determine the role of this variant in disease. Therefore, it has been classified as a Variant of Uncertain Significance. Algorithms developed to predict the effect of sequence changes on RNA splicing suggest that this variant may create or strengthen a splice site. Advanced modeling of protein sequence and biophysical properties (such as structural, functional, and spatial information, amino acid conservation, physicochemical variation, residue mobility, and thermodynamic stability) has been performed at Invitae for this missense variant, however the output from this modeling did not meet the statistical confidence thresholds required to predict the impact of this variant on TNFRSF13B protein function. ClinVar contains an entry for this variant (Variation ID: 1063279). This variant has not been reported in the literature in individuals affected with TNFRSF13B-related conditions. This variant is present in population databases (no rsID available, gnomAD 0.06%). This sequence change replaces glycine, which is neutral and non-polar, with glutamic acid, which is acidic and polar, at codon 28 of the TNFRSF13B protein (p.Gly28Glu).

NM_012452.3(TNFRSF13B):c.83G>A (p.Gly28Glu)

Gene: TNFRSF13B (TNF receptor superfamily member 13B; minus strand). Cytogenetic location: 17p11.2.
Variant type: single nucleotide variant.
Coding change: c.83G>A on transcript NM_012452.3 (MANE Select); coding-DNA position 83, G replaced by A.
Protein change: p.Gly28Glu; replaces glycine 28 with glutamic acid.
Molecular consequence: missense variant.
Genome position (GRCh38, 1-based): chr17:16,952,562, C>T on the plus strand (G>A on the coding strand, the complement: TNFRSF13B is on the minus strand). VCF-style: chr17-16952562-C-T. GRCh37 (hg19) VCF-style: chr17-16855876-C-T.
Other names: short protein forms G28E.
Identifiers: ClinVar variation 1063279 (VCV001063279.5), dbSNP rs1364325591, ClinGen allele CA398520524.